The following is an entry in ClinVar:

NM_001164508.2(NEB):c.6727A>T (p.Lys2243Ter)

Gene: NEB (nebulin; minus strand). Cytogenetic location: 2q23.3.
Variant type: single nucleotide variant.
Coding change: c.6727A>T on transcript NM_001164508.2 (MANE Select); coding-DNA position 6727, A replaced by T.
Protein change: p.Lys2243Ter; replaces lysine 2243 with a stop codon.
Molecular consequence: nonsense.
Genome position (GRCh38, 1-based): chr2:151,655,350, T>A on the plus strand (A>T on the coding strand, the complement: NEB is on the minus strand). VCF-style: chr2-151655350-T-A. GRCh37 (hg19) VCF-style: chr2-152511864-T-A.
Other names: c.6727A>T, p.Lys2243Ter (NM_001164507.2, NM_001271208.2, NM_004543.5); short protein forms K2243*.
Identifiers: ClinVar variation 5012472 (VCV005012472.1).

ClinVar aggregate classification (germline): Pathogenic (1 of 4 stars; one submission).

Conditions:
Nemaline myopathy 2 (NEM2). Also called: Nemaline myopathy 2, autosomal recessive. Identifiers: MedGen C1850569, MONDO:0009725, OMIM 256030.

Submission:

Myriad Genetics, Inc.
Classification: Pathogenic for Nemaline myopathy 2. Last evaluated: 2023-11-11. Review status: criteria provided, single submitter. Criteria: Myriad Autosomal Dominant, Autosomal Recessive and X-Linked Classification Criteria (2023). Collection method: clinical testing. Allele origin: unknown.
Comment: NM_001271208.1(NEB):c.6727A>T(K2243*) is expected to be pathogenic in the context of NEB-related nemaline myopathy. This variant is predicted to lead to an abnormal or absent protein product due to the creation of a premature termination codon in NEB, a gene where loss-of-function variants are known to be pathogenic. Please note: this variant was assessed in the context of healthy population screening.